The following is an entry in ClinVar:

ClinVar aggregate classification (germline): Uncertain significance (1 of 4 stars; one submission).

Conditions:
Osteogenesis imperfecta type I (OI1). Also called: Lobstein's Disease; Lobstein disease; Classic Non-deforming Osteogenesis Imperfecta with Blue Sclerae; OI, TYPE I; OSTEOGENESIS IMPERFECTA TARDA; OSTEOGENESIS IMPERFECTA WITH BLUE SCLERAE. Identifiers: Orphanet 216796, Orphanet 666, MedGen C0023931, MONDO:0008146, OMIM 166200. Disease mechanism: loss of function.

Submission:

Labcorp Genetics (formerly Invitae), Labcorp
Classification: Uncertain significance for Osteogenesis imperfecta type I. Last evaluated: 2024-12-17. Review status: criteria provided, single submitter. Criteria: Invitae Variant Classification Sherloc (09022015). Collection method: clinical testing. Allele origin: germline.
Comment: This sequence change falls in intron 30 of the COL1A1 gene. It does not directly change the encoded amino acid sequence of the COL1A1 protein. It affects a nucleotide within the consensus splice site. This variant is not present in population databases (gnomAD no frequency). This variant has not been reported in the literature in individuals affected with COL1A1-related conditions. Variants that disrupt the consensus splice site are a relatively common cause of aberrant splicing (PMID: 17576681, 9536098). Algorithms developed to predict the effect of sequence changes on RNA splicing suggest that this variant may disrupt the consensus splice site. In summary, the available evidence is currently insufficient to determine the role of this variant in disease. Therefore, it has been classified as a Variant of Uncertain Significance.

Literature cited by the submitters: PubMed 17576681; PubMed 9536098.

NM_000088.4(COL1A1):c.2028+5dup

Gene: COL1A1 (collagen type I alpha 1 chain; minus strand). Cytogenetic location: 17q21.33.
Variant type: Duplication.
Coding change: c.2028+5dup on transcript NM_000088.4 (MANE Select); 5 bases into the intron after coding-DNA position 2028, one base duplicated (G; older notation c.2028+5dupG).
Molecular consequence: intron variant.
Genome position (GRCh38, 1-based): chr17:50,191,975, C duplicated on the plus strand (G on the coding strand, the reverse complement: COL1A1 is on the minus strand). VCF-style (leftmost placement, unchanged base first): chr17-50191974-A-AC. GRCh37 (hg19) VCF-style: chr17-48269335-A-AC.
Identifiers: ClinVar variation 3727548 (VCV003727548.2).